The following is an entry in ClinVar:

NM_000047.3(ARSL):c.1442C>T (p.Thr481Met)

Gene: ARSL (arylsulfatase L; minus strand). Cytogenetic location: Xp22.33.
Variant type: single nucleotide variant.
Coding change: c.1442C>T on transcript NM_000047.3 (MANE Select); coding-DNA position 1442, C replaced by T.
Protein change: p.Thr481Met; replaces threonine 481 with methionine.
Molecular consequence: missense variant.
Genome position (GRCh38, 1-based): chrX:2,935,160, G>A on the plus strand (C>T on the coding strand, the complement: ARSL is on the minus strand). VCF-style: chrX-2935160-G-A. GRCh37 (hg19) VCF-style: chrX-2853201-G-A.
Other names: c.1517C>T, p.Thr506Met (NM_001282628.2, NM_001369080.1); c.1280C>T, p.Thr427Met (NM_001282631.2); c.1469C>T, p.Thr490Met (NM_001369079.1); short protein forms T481M, T490M, T427M, T506M.
Identifiers: ClinVar variation 21032 (VCV000021032.5), dbSNP rs80338713, ClinGen allele CA341531.

ClinVar aggregate classification (germline): Conflicting classifications of pathogenicity. Review status: criteria provided, conflicting classifications (1 of 4 stars). 3 submissions from 3 submitters: Likely pathogenic (1); Uncertain significance (1). 1 of the submissions does not count toward it. Last evaluated 2025-10-24.

Conditions:
X-linked chondrodysplasia punctata 1 (CDPX1). Also called: CHONDRODYSPLASIA PUNCTATA, BRACHYTELEPHALANGIC; Chondrodysplasia punctata, X-linked recessive. Identifiers: Orphanet 79345, MedGen C3669395, MONDO:0010555, OMIM 302950.

Allele frequency attached by ClinVar (database versions not stated): gnomAD exomes below 0.00001 and 0.00001; TOPMed below 0.00001.
gnomAD v4.1: 2 of 1,211,332 alleles (0.00017%); highest among the groups gnomAD compares: Non-Finnish European, 0.00022%; no homozygotes.

Submissions (3):

Women's Health and Genetics/Laboratory Corporation of America, LabCorp
Classification: Uncertain significance. Last evaluated: 2025-10-24. Review status: criteria provided, single submitter. Criteria: LabCorp Variant Classification Summary - May 2015. Collection method: clinical testing. Allele origin: germline.
Comment: Variant summary: ARSL c.1442C>T (p.Thr481Met) results in a non-conservative amino acid change in the encoded protein sequence. Algorithms developed to predict the effect of missense changes on protein structure and function all suggest that this variant is likely to be disruptive. The variant allele was found at a frequency of 1.1e-05 in 181620 control chromosomes. c.1442C>T has been observed in at least one individual affected with Chondrodysplasia Punctata 1, X-Linked Recessive (e.g. Brunetti-Pierri_2003). These data do not allow any conclusion about variant significance. At least one publication reports experimental evidence evaluating an impact on protein function. The most pronounced variant effect results in 10%-<30% of normal enzyme activity in vitro (e.g. Brunetti-Pierri_2003). The following publication has been ascertained in the context of this evaluation (PMID: 12567415). ClinVar contains an entry for this variant (Variation ID: 21032). Based on the evidence outlined above, the variant was classified as VUS-possibly pathogenic.

Institute for Clinical Genetics, University Hospital TU Dresden, University Hospital TU Dresden
Classification: Likely pathogenic for X-linked chondrodysplasia punctata 1. Last evaluated: 2024-12-04. Review status: criteria provided, single submitter. Criteria: ACMG Guidelines, 2015. Collection method: clinical testing. Allele origin: germline. Affected: yes.
Comment: The above-mentioned missense variant in the ARSL gene (NM_000047.3:c.1442C>T p.(Thr481Met)) leads to an amino acid exchange at position 481 in the corresponding protein due to a base exchange at position 1442 of the cDNA. Empirically, the gene does not show a generally increased sensitivity to missense variants (Z-score 0, PMID: 27535533), but the variant is located in the functionally relevant sulfatase C domain. Bioinformatic prediction algorithms estimate the effect of the variant on protein function as low (REVEL score 0.66, PMID: 27666373), an actual effect was confirmed by functional studies (PMID: 12567415). The variant has not yet been classified in the ClinVar database. In the population database gnomAD v4.1.0, the variant is listed as 2 times heterozygous and 0 times hemizygous. The variant has been reported in the literature in at least 3 individuals with X-linked chondrodysplasia punctata as the cause of the disease (PMID: 16937129, 12567415) and segregated with the phenotype in one family (PMID: 16937129). According to current ACMG recommendations for variant evaluation (PMID 25741868), the criteria PS4_MOD, PS3_SUP, PM1_SUP, PM2_SUP, PP1 and PP3 are fulfilled, resulting in an evaluation as a probable pathogenic variant (ACMG class 4).

GeneReviews
No classification provided. Condition: X-linked chondrodysplasia punctata 1. Review status: no classification provided. Collection method: literature only. Allele origin: unknown. Not counted in ClinVar's aggregate classification.

Literature cited by the submitters: PubMed 12567415 (cited by Women's Health and Genetics/Laboratory Corporation of America, LabCorp and GeneReviews); PubMed 26526591 (cited by Women's Health and Genetics/Laboratory Corporation of America, LabCorp); PubMed 20301713 (cited by GeneReviews); NCBI Bookshelf NBK1544 (cited by GeneReviews).